The following is an entry in ClinVar:

NM_006514.4(SCN10A):c.5690T>A (p.Phe1897Tyr)

Gene: SCN10A (sodium voltage-gated channel alpha subunit 10; minus strand). Cytogenetic location: 3p22.2.
Variant type: single nucleotide variant.
Coding change: c.5690T>A on transcript NM_006514.4 (MANE Select); coding-DNA position 5690, T replaced by A.
Protein change: p.Phe1897Tyr; replaces phenylalanine 1897 with tyrosine.
Molecular consequence: missense variant.
Genome position (GRCh38, 1-based): chr3:38,697,530, A>T on the plus strand (T>A on the coding strand, the complement: SCN10A is on the minus strand). VCF-style: chr3-38697530-A-T. GRCh37 (hg19) VCF-style: chr3-38739021-A-T.
Other names: c.5690T>A (NM_006514.2); c.5687T>A, p.Phe1896Tyr (NM_001293306.2); c.5396T>A, p.Phe1799Tyr (NM_001293307.2); short protein forms F1799Y, F1896Y, F1897Y.
Identifiers: ClinVar variation 1052044 (VCV001052044.7), dbSNP rs754159937, ClinGen allele CA2319621.

ClinVar aggregate classification (germline): Uncertain significance. Review status: criteria provided, multiple submitters, no conflicts (2 of 4 stars). 2 submissions from 2 submitters: Uncertain significance (2). Last evaluated 2026-07-21.

Conditions:
Brugada syndrome. Also called: Sudden unexpected nocturnal death syndrome; Sudden Unexplained Death Syndrome; Sudden Unexplained Nocturnal Death Syndrome (SUNDS); Sudden unexplained nocturnal death syndrome. Identifiers: Orphanet 130, MedGen C1142166, MONDO:0015263.
Cardiovascular phenotype. Identifiers: MedGen CN230736.

Allele frequency attached by ClinVar (database versions not stated): gnomAD exomes 0.00003 and 0.00002; ExAC 0.00005; TOPMed 0.00001.
gnomAD v4.1: 22 of 1,614,180 alleles (0.0014%); highest among the groups gnomAD compares: Non-Finnish European, 0.0017%; no homozygotes.

Submissions (2):

Ambry Genetics
Classification: Uncertain significance for Cardiovascular phenotype. Last evaluated: 2026-07-21. Review status: criteria provided, single submitter. Criteria: Ambry Variant Classification Scheme 2023. Collection method: clinical testing. Allele origin: germline.
Comment: The p.F1897Y variant (also known as c.5690T>A), located in coding exon 27 of the SCN10A gene, results from a T to A substitution at nucleotide position 5690. The phenylalanine at codon 1897 is replaced by tyrosine, an amino acid with highly similar properties. This amino acid position is conserved. In addition, this alteration is predicted to be tolerated by in silico analysis. Based on the available evidence, the clinical significance of this variant remains unclear.

Labcorp Genetics (formerly Invitae), Labcorp
Classification: Uncertain significance for Brugada syndrome. Last evaluated: 2025-10-13. Review status: criteria provided, single submitter. Criteria: Invitae Variant Classification Sherloc (09022015). Collection method: clinical testing. Allele origin: germline.
Comment: This sequence change replaces phenylalanine, which is neutral and non-polar, with tyrosine, which is neutral and polar, at codon 1897 of the SCN10A protein (p.Phe1897Tyr). This variant is present in population databases (rs754159937, gnomAD 0.007%). This variant has not been reported in the literature in individuals affected with SCN10A-related conditions. ClinVar contains an entry for this variant (Variation ID: 1052044). Invitae Evidence Modeling of protein sequence and biophysical properties (such as structural, functional, and spatial information, amino acid conservation, physicochemical variation, residue mobility, and thermodynamic stability) indicates that this missense variant is not expected to disrupt SCN10A protein function with a negative predictive value of 95%. In summary, the available evidence is currently insufficient to determine the role of this variant in disease. Therefore, it has been classified as a Variant of Uncertain Significance.